The following is an entry in ClinVar:

ClinVar aggregate classification (germline): Pathogenic (1 of 4 stars; one submission).

Conditions:
Primary ciliary dyskinesia. Also called: Ciliary dyskinesia. Identifiers: Orphanet 244, MedGen C0008780, MONDO:0016575, HP:0012265.

Submission:

Labcorp Genetics (formerly Invitae), Labcorp
Classification: Pathogenic for Primary ciliary dyskinesia. Last evaluated: 2023-08-22. Review status: criteria provided, single submitter. Criteria: Invitae Variant Classification Sherloc (09022015). Collection method: clinical testing. Allele origin: germline.
Comment: This variant has not been reported in the literature in individuals affected with DNAH5-related conditions. For these reasons, this variant has been classified as Pathogenic. This variant is not present in population databases (gnomAD no frequency). This sequence change creates a premature translational stop signal (p.Tyr3880Ilefs*22) in the DNAH5 gene. It is expected to result in an absent or disrupted protein product. Loss-of-function variants in DNAH5 are known to be pathogenic (PMID: 11788826, 16627867).

Literature cited by the submitters: PubMed 11788826; PubMed 16627867.

NM_001369.3(DNAH5):c.11638del (p.Tyr3880fs)

Gene: DNAH5 (dynein axonemal heavy chain 5; minus strand). Cytogenetic location: 5p15.2.
Variant type: Deletion.
Coding change: c.11638del on transcript NM_001369.3 (MANE Select); coding-DNA position 11638, one base deleted (T; older notation c.11638delT).
Protein change: p.Tyr3880fs; shifts the reading frame from tyrosine 3880.
Molecular consequence: frameshift variant.
Genome position (GRCh38, 1-based): chr5:13,735,254, A deleted on the plus strand (T on the coding strand, the reverse complement: DNAH5 is on the minus strand); the first of 3 consecutive A bases (chr5:13,735,254-13,735,256); deleting any one gives the same sequence. VCF-style (leftmost placement, unchanged base first): chr5-13735253-TA-T. GRCh37 (hg19) VCF-style: chr5-13735362-TA-T.
Other names: short protein forms Y3880fs.
Identifiers: ClinVar variation 2754355 (VCV002754355.3), dbSNP rs2546561323, ClinGen allele CA2697547021.